The following is an entry in ClinVar:

ClinVar aggregate classification (germline): Uncertain significance (1 of 4 stars; one submission).

Submission:

Ambry Genetics
Classification: Uncertain significance. Last evaluated: 2025-03-26. Review status: criteria provided, single submitter. Criteria: Ambry Variant Classification Scheme 2023. Collection method: clinical testing. Allele origin: germline.
Comment: The p.M508T variant (also known as c.1523T>C), located in coding exon 1 of the TET2 gene, results from a T to C substitution at nucleotide position 1523. The methionine at codon 508 is replaced by threonine, an amino acid with similar properties. This amino acid position is conserved. In addition, this alteration is predicted to be tolerated by in silico analysis. Based on the available evidence, the clinical significance of this variant remains unclear.

NM_001127208.3(TET2):c.1523T>C (p.Met508Thr)

Genes: TET2 (tet methylcytosine dioxygenase 2; plus strand), TET2-AS1 (TET2 antisense RNA 1; minus strand). Cytogenetic location: 4q24.
Variant type: single nucleotide variant.
Coding change: c.1523T>C on transcript NM_001127208.3 (MANE Select); coding-DNA position 1523, T replaced by C.
Protein change: p.Met508Thr; replaces methionine 508 with threonine.
Molecular consequence: missense variant.
Genome position (GRCh38, 1-based): chr4:105,235,465, T>C. VCF-style: chr4-105235465-T-C. GRCh37 (hg19) VCF-style: chr4-106156622-T-C.
Other names: c.1523T>C, p.Met508Thr (NM_017628.4); short protein forms M508T.
Identifiers: ClinVar variation 3967490 (VCV003967490.1).